The following is an entry in ClinVar:

NM_001243177.4(ALDOA):c.273T>G (p.Thr91=)

Genes: ALDOA (aldolase, fructose-bisphosphate A; plus strand), LOC112694756 (uncharaterized LOC112694756; plus strand). Cytogenetic location: 16p11.2.
Variant type: single nucleotide variant.
Coding change: c.273T>G on transcript NM_001243177.4 (MANE Select); coding-DNA position 273, T replaced by G.
Protein change: p.Thr91=; no amino-acid change (threonine 91 retained).
Molecular consequence: synonymous variant. On other transcripts: 3 prime UTR variant (3).
Genome position (GRCh38, 1-based): chr16:30,067,365, T>G. VCF-style: chr16-30067365-T-G. GRCh37 (hg19) VCF-style: chr16-30078686-T-G.
Other names: c.*620T>G (NM_001365304.2, NM_001365305.2, NM_001365307.2); c.111T>G, p.Thr37= (NM_001127617.2, NM_184041.5, NM_184043.2).
Identifiers: ClinVar variation 1373802 (VCV001373802.8), dbSNP rs2151015694, ClinGen allele CA494890860.

ClinVar aggregate classification (germline): Uncertain significance (1 of 4 stars; one submission).

Conditions:
HNSHA due to aldolase A deficiency (GSD12). Also called: Glycogen storage disease due to aldolase A deficiency; GLYCOGEN STORAGE DISEASE XII; GSD XII; RED CELL ALDOLASE DEFICIENCY. Identifiers: Orphanet 57, MedGen C0272066, MONDO:0012747, OMIM 611881.

gnomAD v4.1: 1 of 1,613,928 alleles (0.000062%); highest among the groups gnomAD compares: Non-Finnish European, 0.000085%; no homozygotes.

Submission:

Labcorp Genetics (formerly Invitae), Labcorp
Classification: Uncertain significance for HNSHA due to aldolase A deficiency. Last evaluated: 2025-03-17. Review status: criteria provided, single submitter. Criteria: Invitae Variant Classification Sherloc (09022015). Collection method: clinical testing. Allele origin: germline.
Comment: This sequence change affects codon 37 of the ALDOA mRNA. It is a 'silent' change, meaning that it does not change the encoded amino acid sequence of the ALDOA protein. It affects a nucleotide within the consensus splice site. This variant is not present in population databases (gnomAD no frequency). This variant has not been reported in the literature in individuals affected with ALDOA-related conditions. ClinVar contains an entry for this variant (Variation ID: 1373802). Algorithms developed to predict the effect of sequence changes on RNA splicing suggest that this variant is not likely to affect RNA splicing. In summary, the available evidence is currently insufficient to determine the role of this variant in disease. Therefore, it has been classified as a Variant of Uncertain Significance.